The following is an entry in ClinVar:

ClinVar aggregate classification (germline): Conflicting classifications of pathogenicity. Review status: criteria provided, conflicting classifications (1 of 4 stars). 5 submissions from 5 submitters: Uncertain significance (2); Benign (1); Likely benign (1). 1 of the submissions does not count toward it. Last evaluated 2025-09-11.

Conditions:
LAMA5-related disorder. Also called: LAMA5-Related Disorders; LAMA5-related condition.
Inborn genetic diseases. Identifiers: MedGen C0950123, MeSH D030342.

Allele frequency attached by ClinVar (database versions not stated): gnomAD 0.00009 and 0.00012; gnomAD exomes 0.00014 and 0.00055; TOPMed 0.00028; 1000 Genomes Project 0.00040; 1000 Genomes Project 30x 0.00047; ExAC 0.00093.
gnomAD v4.1: 221 of 1,600,804 alleles (0.014%); highest among the groups gnomAD compares: Admixed American, 0.21%; 1 homozygote.

Submissions (5):

Labcorp Genetics (formerly Invitae), Labcorp
Classification: Benign. Last evaluated: 2025-09-11. Review status: criteria provided, single submitter. Criteria: Invitae Variant Classification Sherloc (09022015). Collection method: clinical testing. Allele origin: germline.

CeGaT Center for Human Genetics Tuebingen
Classification: Likely benign. Last evaluated: 2025-06-01. Review status: criteria provided, single submitter. Criteria: CeGaT Center For Human Genetics Tuebingen Variant Classification Criteria Version 2. Collection method: clinical testing. Allele origin: germline. Affected: yes. Observed: 4 variant alleles.
Comment: LAMA5: BP4

Ambry Genetics
Classification: Uncertain significance for Inborn genetic diseases. Last evaluated: 2024-02-27. Review status: criteria provided, single submitter. Criteria: Ambry Variant Classification Scheme 2023. Collection method: clinical testing. Allele origin: germline.

Mayo Clinic Laboratories, Mayo Clinic
Classification: Uncertain significance. Last evaluated: 2023-07-19. Review status: criteria provided, single submitter. Criteria: ACMG Guidelines, 2015. Collection method: clinical testing. Allele origin: germline. Observed: 1 variant allele.
Comment: BP4_strong

PreventionGenetics, part of Exact Sciences
Classification: Likely benign for LAMA5-related condition. Last evaluated: 2023-07-12. Review status: no assertion criteria provided. Collection method: clinical testing. Allele origin: germline. Not counted in ClinVar's aggregate classification.
Comment: This variant is classified as likely benign based on ACMG/AMP sequence variant interpretation guidelines (Richards et al. 2015 PMID: 25741868, with internal and published modifications).

NM_005560.6(LAMA5):c.6740C>T (p.Ala2247Val)

Gene: LAMA5 (laminin subunit alpha 5; minus strand). Cytogenetic location: 20q13.33.
Variant type: single nucleotide variant.
Coding change: c.6740C>T on transcript NM_005560.6 (MANE Select); coding-DNA position 6740, C replaced by T.
Protein change: p.Ala2247Val; replaces alanine 2247 with valine.
Molecular consequence: missense variant.
Genome position (GRCh38, 1-based): chr20:62,320,578, G>A on the plus strand (C>T on the coding strand, the complement: LAMA5 is on the minus strand). VCF-style: chr20-62320578-G-A. GRCh37 (hg19) VCF-style: chr20-60895634-G-A.
Other names: p.Ala2247Val; c.6740C>T (NM_005560.3); short protein forms A2247V.
Identifiers: ClinVar variation 712655 (VCV000712655.34), dbSNP rs201066079, ClinGen allele CA9941591.
Genomic context (GRCh38, chr20:62,320,578, plus strand): 5'-TGAAAGCCTCCCGGGGCCCTGGGGGGTCTTGGGGCTCCTGCCTGGCCGCCTAGCCGCCGT[G>A]CGTCCTGCCCGAGGCTTGTGCTCTGCTGCTCCAGCACCTCCAGCTGCTGTGCCGTCTCAT-3'
Protein context (NP_005551.3, residues 2237-2257): EQQSTSLGQD[Ala2247Val]RRLGGQAVGT